The following is an entry in ClinVar:

ClinVar aggregate classification (germline): Uncertain significance (1 of 4 stars; one submission).

Allele frequency attached by ClinVar (database versions not stated): gnomAD exomes below 0.00001; ExAC 0.00001.

Submission:

Labcorp Genetics (formerly Invitae), Labcorp
Classification: Uncertain significance. Last evaluated: 2021-10-13. Review status: criteria provided, single submitter. Criteria: Invitae Variant Classification Sherloc (09022015). Collection method: clinical testing. Allele origin: germline.
Comment: This sequence change replaces proline with leucine at codon 571 of the C8B protein (p.Pro571Leu). The proline residue is highly conserved and there is a moderate physicochemical difference between proline and leucine. In summary, the available evidence is currently insufficient to determine the role of this variant in disease. Therefore, it has been classified as a Variant of Uncertain Significance. Algorithms developed to predict the effect of missense changes on protein structure and function are either unavailable or do not agree on the potential impact of this missense change (SIFT: "Deleterious"; PolyPhen-2: "Probably Damaging"; Align-GVGD: "Class C0"). This variant has not been reported in the literature in individuals affected with C8B-related conditions. This variant is present in population databases (rs775719725, ExAC 0.001%).

NM_000066.4(C8B):c.1712C>T (p.Pro571Leu)

Gene: C8B (complement C8 beta chain; minus strand). Cytogenetic location: 1p32.2.
Variant type: single nucleotide variant.
Coding change: c.1712C>T on transcript NM_000066.4 (MANE Select); coding-DNA position 1712, C replaced by T.
Protein change: p.Pro571Leu; replaces proline 571 with leucine.
Molecular consequence: missense variant.
Genome position (GRCh38, 1-based): chr1:56,929,468, G>A on the plus strand (C>T on the coding strand, the complement: C8B is on the minus strand). VCF-style: chr1-56929468-G-A. GRCh37 (hg19) VCF-style: chr1-57395141-G-A.
Other names: c.1556C>T, p.Pro519Leu (NM_001278543.2); c.1526C>T, p.Pro509Leu (NM_001278544.2); short protein forms P519L, P509L, P571L.
Identifiers: ClinVar variation 1507825 (VCV001507825.4), dbSNP rs775719725, ClinGen allele CA875543.
Genomic context (GRCh38, chr1:56,929,468, plus strand): 5'-GAGCAGTCAAGTGTTTCTGAAGCAGGGCCTGAACAGGGGCTACCCCCATTTTGAGGAGGT[G>A]GATTGTTACACTGCCTTTGTCTTGTCTTACGTCTTCCAGAGCATGAAGACCAATTTGACC-3'
Protein context (NP_000057.3, residues 561-581): RKTRQRQCNN[Pro571Leu]PPQNGGSPCS